The following is an entry in ClinVar:

NM_000179.3(MSH6):c.3076G>C (p.Asp1026His)

Gene: MSH6 (mutS homolog 6; plus strand). Cytogenetic location: 2p16.3.
Variant type: single nucleotide variant.
Coding change: c.3076G>C on transcript NM_000179.3 (MANE Select); coding-DNA position 3076, G replaced by C.
Protein change: p.Asp1026His; replaces aspartic acid 1026 with histidine.
Molecular consequence: missense variant.
Genome position (GRCh38, 1-based): chr2:47,801,059, G>C. VCF-style: chr2-47801059-G-C. GRCh37 (hg19) VCF-style: chr2-48028198-G-C.
Other names: c.2686G>C, p.Asp896His (NM_001281492.2); c.2170G>C, p.Asp724His (NM_001281493.2, NM_001281494.2); short protein forms D1026H, D724H, D896H.
Identifiers: ClinVar variation 234468 (VCV000234468.4), dbSNP rs267608054, ClinGen allele CA10577284.

ClinVar aggregate classification (germline): Uncertain significance. Review status: criteria provided, multiple submitters, no conflicts (2 of 4 stars). 3 submissions from 3 submitters: Uncertain significance (3). Last evaluated 2025-06-17.

Conditions:
Hereditary cancer-predisposing syndrome. Also called: Hereditary neoplastic syndrome; Hereditary Cancer Syndrome; Neoplastic Syndromes, Hereditary; Tumor predisposition. Identifiers: Orphanet 140162, MedGen C0027672, MeSH D009386, MONDO:0015356.

Allele frequency attached by ClinVar (database versions not stated): gnomAD exomes below 0.00001.
gnomAD v4.1: 1 of 1,605,916 alleles (0.000062%); highest among the groups gnomAD compares: Non-Finnish European, 0.000085%; no homozygotes.

Submissions (3):

Color Diagnostics, LLC DBA Color Health
Classification: Uncertain significance for Hereditary cancer-predisposing syndrome. Last evaluated: 2025-06-17. Review status: criteria provided, single submitter. Criteria: ACMG Guidelines, 2015. Collection method: clinical testing. Allele origin: germline.
Comment: This missense variant replaces aspartic acid with histidine at codon 1026 of the MSH6 protein. Computational prediction suggests that this variant may have deleterious impact on protein structure and function. To our knowledge, functional studies have not been reported for this variant. This variant has not been reported in individuals affected with MSH6-related disorders in the literature. This variant has not been identified in the general population by the Genome Aggregation Database (gnomAD). The available evidence is insufficient to determine the role of this variant in disease conclusively. Therefore, this variant is classified as a Variant of Uncertain Significance.

Ambry Genetics
Classification: Uncertain significance for Hereditary cancer-predisposing syndrome. Last evaluated: 2023-11-16. Review status: criteria provided, single submitter. Criteria: Ambry Variant Classification Scheme 2023. Collection method: clinical testing. Allele origin: germline.
Comment: The p.D1026H variant (also known as c.3076G>C), located in coding exon 4 of the MSH6 gene, results from a G to C substitution at nucleotide position 3076. The aspartic acid at codon 1026 is replaced by histidine, an amino acid with similar properties. This amino acid position is conserved. In addition, this alteration is predicted to be deleterious by in silico analysis. Since supporting evidence is limited at this time, the clinical significance of this alteration remains unclear.

GeneDx
Classification: Uncertain significance. Last evaluated: 2015-10-15. Review status: criteria provided, single submitter. Criteria: GeneDx Variant Classification (06012015). Collection method: clinical testing. Allele origin: germline. Affected: yes.
Comment: This variant is denoted MSH6 c.3076G>C at the cDNA level, p.Asp1026His (D1026H) at the protein level, and results in the change of an Aspartic Acid to a Histidine (GAT>CAT). This variant has not, to our knowledge, been published in the literature as pathogenic or benign. MSH6 Asp1026His was not observed in approximately 6,500 individuals of European and African American ancestry in the NHLBI Exome Sequencing Project, indicating it is not a common benign variant in these populations. Since Aspartic Acid and Histidine differ in polarity, charge, size or other properties, this is considered a non-conservative amino acid substitution. MSH6 Asp1026His occurs at a position that is conserved across species and is located in domain III of the MutS domain (Terui 2013). In silico analyses predict that this variant is probably damaging to protein structure and function. Based on currently available information, it is unclear whether MSH6 Asp1026His is pathogenic or benign. We consider it to be a variant of uncertain significance.